The following is an entry in ClinVar:

NM_004364.5(CEBPA):c.610_625del (p.Pro204fs)

Gene: CEBPA (CCAAT enhancer binding protein alpha; minus strand). Cytogenetic location: 19q13.11.
Variant type: Deletion.
Coding change: c.610_625del on transcript NM_004364.5 (MANE Select); coding-DNA positions 610 to 625, 16 bases deleted (CCGCACCTGCAGTTCC).
Protein change: p.Pro204fs; shifts the reading frame from proline 204.
Molecular consequence: frameshift variant.
Genome position (GRCh38, 1-based): chr19:33,301,790-33,301,805, GGAACTGCAGGTGCGG deleted on the plus strand (CCGCACCTGCAGTTCC on the coding strand, the reverse complement: CEBPA is on the minus strand); deleting any 16 consecutive bases within chr19:33,301,790-33,301,807 gives the same sequence; the c. name uses the placement nearest the transcript's 3' end. VCF-style (leftmost placement, unchanged base first): chr19-33301789-TGGAACTGCAGGTGCGG-T. GRCh37 (hg19) VCF-style: chr19-33792695-TGGAACTGCAGGTGCGG-T.
Other names: c.253_268del, p.Pro85fs (NM_001285829.2); c.715_730del, p.Pro239fs (NM_001287424.2); c.568_583del, p.Pro190fs (NM_001287435.2); short protein forms P239fs, P85fs, P190fs, P204fs.
Identifiers: ClinVar variation 3647752 (VCV003647752.2).

ClinVar aggregate classification (germline): Uncertain significance (1 of 4 stars; one submission).

Conditions:
Acute myeloid leukemia (AML). Also called: Acute myeloid leukemia, adult; AML adult; Acute non-lymphocytic leukemia; Acute granulocytic leukemia; Leukemia, acute myeloid, somatic; Leukemia, acute myelogenous, somatic. Identifiers: Orphanet 519, MedGen C0023467, MeSH D015470, MONDO:0018874, OMIM 601626, HP:0004808. Disease mechanism: Constitutively activated FLT3.

Submission:

Labcorp Genetics (formerly Invitae), Labcorp
Classification: Uncertain significance for Acute myeloid leukemia. Last evaluated: 2024-04-02. Review status: criteria provided, single submitter. Criteria: Invitae Variant Classification Sherloc (09022015). Collection method: clinical testing. Allele origin: germline.
Comment: This sequence change creates a premature translational stop signal (p.Pro204Argfs*109) in the CEBPA gene. While this is not anticipated to result in nonsense mediated decay, it is expected to disrupt the last 155 amino acid(s) of the CEBPA protein. The frequency data for this variant in the population databases is considered unreliable, as metrics indicate insufficient coverage at this position in the gnomAD database. This variant has not been reported in the literature in individuals affected with CEBPA-related conditions. In summary, the available evidence is currently insufficient to determine the role of this variant in disease. Therefore, it has been classified as a Variant of Uncertain Significance.